The following is an entry in ClinVar:

ClinVar aggregate classification (germline): Uncertain significance (1 of 4 stars; one submission).

Allele frequency attached by ClinVar (database versions not stated): gnomAD 0.00002; gnomAD exomes 0.00003; TOPMed 0.00003; ExAC 0.00004; 1000 Genomes Project 30x 0.00016; 1000 Genomes Project 0.00020.
gnomAD v4.1: 47 of 1,582,582 alleles (0.003%); highest among the groups gnomAD compares: East Asian, 0.023%; no homozygotes.

Submission:

Labcorp Genetics (formerly Invitae), Labcorp
Classification: Uncertain significance. Last evaluated: 2022-06-26. Review status: criteria provided, single submitter. Criteria: Invitae Variant Classification Sherloc (09022015). Collection method: clinical testing. Allele origin: germline.
Comment: This sequence change replaces glycine, which is neutral and non-polar, with serine, which is neutral and polar, at codon 2185 of the CACNA1B protein (p.Gly2185Ser). This variant is present in population databases (rs538992240, gnomAD 0.01%). This variant has not been reported in the literature in individuals affected with CACNA1B-related conditions. Advanced modeling of protein sequence and biophysical properties (such as structural, functional, and spatial information, amino acid conservation, physicochemical variation, residue mobility, and thermodynamic stability) performed at Invitae indicates that this missense variant is not expected to disrupt CACNA1B protein function. In summary, the available evidence is currently insufficient to determine the role of this variant in disease. Therefore, it has been classified as a Variant of Uncertain Significance.

NM_000718.4(CACNA1B):c.6553G>A (p.Gly2185Ser)

Gene: CACNA1B (calcium voltage-gated channel subunit alpha1 B; plus strand). Cytogenetic location: 9q34.3.
Variant type: single nucleotide variant.
Coding change: c.6553G>A on transcript NM_000718.4 (MANE Select); coding-DNA position 6553, G replaced by A.
Protein change: p.Gly2185Ser; replaces glycine 2185 with serine.
Molecular consequence: missense variant. On other transcripts: intron variant (1).
Genome position (GRCh38, 1-based): chr9:138,121,532, G>A. VCF-style: chr9-138121532-G-A. GRCh37 (hg19) VCF-style: chr9-141015984-G-A.
Other names: c.6490-124G>A (NM_001243812.2); short protein forms G2185S.
Identifiers: ClinVar variation 2167359 (VCV002167359.1), dbSNP rs538992240, ClinGen allele CA5377760.